The following is an entry in ClinVar:

NM_001040108.2(MLH3):c.4262A>C (p.Lys1421Thr)

Gene: MLH3 (mutL homolog 3; minus strand). Cytogenetic location: 14q24.3.
Variant type: single nucleotide variant.
Coding change: c.4262A>C on transcript NM_001040108.2 (MANE Select); coding-DNA position 4262, A replaced by C.
Protein change: p.Lys1421Thr; replaces lysine 1421 with threonine.
Molecular consequence: missense variant.
Genome position (GRCh38, 1-based): chr14:75,017,182, T>G on the plus strand (A>C on the coding strand, the complement: MLH3 is on the minus strand). VCF-style: chr14-75017182-T-G. GRCh37 (hg19) VCF-style: chr14-75483885-T-G.
Other names: c.4190A>C, p.Lys1397Thr (NM_014381.3); short protein forms K1421T, K1397T.
Identifiers: ClinVar variation 843801 (VCV000843801.13), dbSNP rs758153765, ClinGen allele CA7275168.

ClinVar aggregate classification (germline): Uncertain significance. Review status: criteria provided, multiple submitters, no conflicts (2 of 4 stars). 2 submissions from 2 submitters: Uncertain significance (2). Last evaluated 2025-11-29.

Conditions:
Colorectal cancer, hereditary nonpolyposis, type 7. Identifiers: Orphanet 144, MedGen C1858380, MONDO:0013725, OMIM 614385.

Allele frequency attached by ClinVar (database versions not stated): ExAC 0.00001; gnomAD exomes 0.00001.
gnomAD v4.1: 2 of 1,611,838 alleles (0.00012%); highest among the groups gnomAD compares: Admixed American, 0.0033%; no homozygotes.

Submissions (2):

Ambry Genetics
Classification: Uncertain significance. Last evaluated: 2025-11-29. Review status: criteria provided, single submitter. Criteria: Ambry Variant Classification Scheme 2023. Collection method: clinical testing. Allele origin: germline.
Comment: The p.K1421T variant (also known as c.4262A>C), located in coding exon 12 of the MLH3 gene, results from an A to C substitution at nucleotide position 4262. The lysine at codon 1421 is replaced by threonine, an amino acid with similar properties. This amino acid position is well conserved in available vertebrate species. In addition, the in silico prediction for this alteration is inconclusive. The evidence for this gene-disease relationship is limited; therefore, the clinical significance of this alteration is unclear.

Labcorp Genetics (formerly Invitae), Labcorp
Classification: Uncertain significance for Colorectal cancer, hereditary nonpolyposis, type 7. Last evaluated: 2023-06-20. Review status: criteria provided, single submitter. Criteria: Invitae Variant Classification Sherloc (09022015). Collection method: clinical testing. Allele origin: germline.
Comment: This sequence change replaces lysine, which is basic and polar, with threonine, which is neutral and polar, at codon 1421 of the MLH3 protein (p.Lys1421Thr). This variant is present in population databases (rs758153765, gnomAD 0.006%). This variant has not been reported in the literature in individuals affected with MLH3-related conditions. ClinVar contains an entry for this variant (Variation ID: 843801). An algorithm developed to predict the effect of missense changes on protein structure and function (PolyPhen-2) suggests that this variant is likely to be disruptive. In summary, the available evidence is currently insufficient to determine the role of this variant in disease. Therefore, it has been classified as a Variant of Uncertain Significance.